The following is an entry in ClinVar:

ClinVar aggregate classification (germline): Uncertain significance (1 of 4 stars; one submission).

Conditions:
Inborn genetic diseases. Identifiers: MedGen C0950123, MeSH D030342.

Submission:

Ambry Genetics
Classification: Uncertain significance for Inborn genetic diseases. Last evaluated: 2025-12-10. Review status: criteria provided, single submitter. Criteria: Ambry Variant Classification Scheme 2023. Collection method: clinical testing. Allele origin: germline.
Comment: The p.H296R variant (also known as c.887A>G), located in coding exon 9 of the RTEL1 gene, results from an A to G substitution at nucleotide position 887. The histidine at codon 296 is replaced by arginine, an amino acid with highly similar properties. This amino acid position is conserved. In addition, this alteration is predicted to be tolerated by in silico analysis. Based on the available evidence, the clinical significance of this variant remains unclear.

NM_001283009.2(RTEL1):c.887A>G (p.His296Arg)

Genes: RTEL1 (regulator of telomere elongation helicase 1; plus strand), RTEL1-TNFRSF6B (RTEL1-TNFRSF6B readthrough (NMD candidate); plus strand). Cytogenetic location: 20q13.33.
Variant type: single nucleotide variant.
Coding change: c.887A>G on transcript NM_001283009.2 (MANE Select); coding-DNA position 887, A replaced by G.
Protein change: p.His296Arg; replaces histidine 296 with arginine.
Molecular consequence: missense variant. On other transcripts: non-coding transcript variant (1).
Genome position (GRCh38, 1-based): chr20:63,674,061, A>G. VCF-style: chr20-63674061-A-G. GRCh37 (hg19) VCF-style: chr20-62305414-A-G.
Other names: c.218A>G, p.His73Arg (NM_001283010.1); c.887A>G, p.His296Arg (NM_016434.4); c.959A>G, p.His320Arg (NM_032957.5); short protein forms H296R, H320R, H73R.
Identifiers: ClinVar variation 4629651 (VCV004629651.1).